The following is an entry in ClinVar:

ClinVar aggregate classification (germline): Uncertain significance (1 of 4 stars; one submission).

Submission:

GeneDx
Classification: Uncertain significance. Last evaluated: 2025-07-06. Review status: criteria provided, single submitter. Criteria: GeneDx Variant Classification Process June 2021. Collection method: clinical testing. Allele origin: germline. Affected: yes.
Comment: Not observed at significant frequency in large population cohorts (gnomAD); Frameshift variant predicted to result in abnormal protein length as the last 84 amino acids are replaced with 115 different amino acids; Has not been previously published as pathogenic or benign to our knowledge

NM_021926.4(ALX4):c.980dup (p.Val328fs)

Gene: ALX4 (ALX homeobox 4; minus strand). Cytogenetic location: 11p11.2.
Variant type: Duplication.
Coding change: c.980dup on transcript NM_021926.4 (MANE Select); coding-DNA position 980, one base duplicated (C; older notation c.980dupC).
Protein change: p.Val328fs; shifts the reading frame from valine 328.
Molecular consequence: frameshift variant.
Genome position (GRCh38, 1-based): chr11:44,265,110, G duplicated on the plus strand (C on the coding strand, the reverse complement: ALX4 is on the minus strand); the first of 3 consecutive G bases (chr11:44,265,110-44,265,112); duplicating any one gives the same sequence. VCF-style (leftmost placement, unchanged base first): chr11-44265109-C-CG. GRCh37 (hg19) VCF-style: chr11-44286659-C-CG.
Other names: short protein forms V328fs.
Identifiers: ClinVar variation 4685332 (VCV004685332.1).